The following is an entry in ClinVar:

ClinVar aggregate classification (germline): Uncertain significance (1 of 4 stars; one submission).

Submission:

Labcorp Genetics (formerly Invitae), Labcorp
Classification: Uncertain significance. Last evaluated: 2024-05-06. Review status: criteria provided, single submitter. Criteria: Invitae Variant Classification Sherloc (09022015). Collection method: clinical testing. Allele origin: germline.
Comment: This sequence change replaces serine, which is neutral and polar, with arginine, which is basic and polar, at codon 356 of the LOXHD1 protein (p.Ser356Arg). This variant is not present in population databases (gnomAD no frequency). This variant has not been reported in the literature in individuals affected with LOXHD1-related conditions. ClinVar contains an entry for this variant (Variation ID: 2158677). An algorithm developed to predict the effect of missense changes on protein structure and function (PolyPhen-2) suggests that this variant is likely to be tolerated. In summary, the available evidence is currently insufficient to determine the role of this variant in disease. Therefore, it has been classified as a Variant of Uncertain Significance.

NM_001384474.1(LOXHD1):c.1068C>A (p.Ser356Arg)

Gene: LOXHD1 (lipoxygenase homology PLAT domains 1; minus strand). Cytogenetic location: 18q21.1.
Variant type: single nucleotide variant.
Coding change: c.1068C>A on transcript NM_001384474.1 (MANE Select); coding-DNA position 1068, C replaced by A.
Protein change: p.Ser356Arg; replaces serine 356 with arginine.
Molecular consequence: missense variant.
Genome position (GRCh38, 1-based): chr18:46,601,283, G>T on the plus strand (C>A on the coding strand, the complement: LOXHD1 is on the minus strand). VCF-style: chr18-46601283-G-T. GRCh37 (hg19) VCF-style: chr18-44181246-G-T.
Other names: c.1068C>A, p.Ser356Arg (NM_144612.7); short protein forms S356R.
Identifiers: ClinVar variation 2158677 (VCV002158677.3), dbSNP rs2144283144, ClinGen allele CA402381599.